The following is an entry in ClinVar:

NM_025081.3(NYNRIN):c.5151G>A (p.Gly1717=)

Gene: NYNRIN (NYN domain and retroviral integrase containing; plus strand). Cytogenetic location: 14q12.
Variant type: single nucleotide variant.
Coding change: c.5151G>A on transcript NM_025081.3 (MANE Select); coding-DNA position 5151, G replaced by A.
Protein change: p.Gly1717=; no amino-acid change (glycine 1717 retained).
Molecular consequence: synonymous variant.
Genome position (GRCh38, 1-based): chr14:24,416,900, G>A. VCF-style: chr14-24416900-G-A. GRCh37 (hg19) VCF-style: chr14-24886106-G-A.
Identifiers: ClinVar variation 2779078 (VCV002779078.3), dbSNP rs201437530, ClinGen allele CA7137567.

ClinVar aggregate classification (germline): Uncertain significance (1 of 4 stars; one submission).

Allele frequency attached by ClinVar (database versions not stated): gnomAD exomes below 0.00001; TOPMed below 0.00001; ExAC 0.00001; gnomAD 0.00001; 1000 Genomes Project 30x 0.00016; 1000 Genomes Project 0.00020.
gnomAD v4.1: 3 of 1,604,618 alleles (0.00019%); highest among the groups gnomAD compares: Middle Eastern, 0.017%; no homozygotes.

Submission:

Labcorp Genetics (formerly Invitae), Labcorp
Classification: Uncertain significance. Last evaluated: 2024-07-24. Review status: criteria provided, single submitter. Criteria: Invitae Variant Classification Sherloc (09022015). Collection method: clinical testing. Allele origin: germline.
Comment: This sequence change affects codon 1717 of the NYNRIN mRNA. It is a 'silent' change, meaning that it does not change the encoded amino acid sequence of the NYNRIN protein. The frequency data for this variant in the population databases is considered unreliable, as metrics indicate poor data quality at this position in the gnomAD database. This variant has not been reported in the literature in individuals affected with NYNRIN-related conditions. Experimental studies and prediction algorithms are not available or were not evaluated, and the effect of this variant on mRNA splicing is currently unknown. In summary, the available evidence is currently insufficient to determine the role of this variant in disease. Therefore, it has been classified as a Variant of Uncertain Significance.